The following is an entry in ClinVar:

ClinVar aggregate classification (germline): Likely benign (0 of 4 stars; one submission).

Conditions:
SP8-related disorder. Also called: SP8-related condition.

Submission:

PreventionGenetics, part of Exact Sciences
Classification: Likely benign for SP8-related condition. Last evaluated: 2020-10-15. Review status: no assertion criteria provided. Collection method: clinical testing. Allele origin: germline.
Comment: This variant is classified as likely benign based on ACMG/AMP sequence variant interpretation guidelines (Richards et al. 2015 PMID: 25741868, with internal and published modifications).

NM_182700.6(SP8):c.279A>T (p.Ala93=)

Gene: SP8 (Sp8 transcription factor; minus strand). Cytogenetic location: 7p21.1.
Variant type: single nucleotide variant.
Coding change: c.279A>T on transcript NM_182700.6 (MANE Select); coding-DNA position 279, A replaced by T.
Protein change: p.Ala93=; no amino-acid change (alanine 93 retained).
Molecular consequence: synonymous variant.
Genome position (GRCh38, 1-based): chr7:20,785,538, T>A on the plus strand (A>T on the coding strand, the complement: SP8 is on the minus strand). VCF-style: chr7-20785538-T-A. GRCh37 (hg19) VCF-style: chr7-20825157-T-A.
Other names: c.225A>T, p.Ala75= (NM_198956.4).
Identifiers: ClinVar variation 3038233 (VCV003038233.2), dbSNP rs911129324, ClinGen allele CA155011493.